The following is an entry in ClinVar:

NM_015047.3(EMC1):c.106T>C (p.Tyr36His)

Gene: EMC1 (ER membrane protein complex subunit 1; minus strand). Cytogenetic location: 1p36.13.
Variant type: single nucleotide variant.
Coding change: c.106T>C on transcript NM_015047.3 (MANE Select); coding-DNA position 106, T replaced by C.
Protein change: p.Tyr36His; replaces tyrosine 36 with histidine.
Molecular consequence: missense variant.
Genome position (GRCh38, 1-based): chr1:19,245,020, A>G on the plus strand (T>C on the coding strand, the complement: EMC1 is on the minus strand). VCF-style: chr1-19245020-A-G. GRCh37 (hg19) VCF-style: chr1-19571514-A-G.
Other names: c.106T>C, p.Tyr36His (NM_001271427.2, NM_001271428.2, NM_001271429.2 and 2 more transcripts); short protein forms Y36H.
Identifiers: ClinVar variation 1491555 (VCV001491555.8), dbSNP rs1371342305, ClinGen allele CA338774226.

ClinVar aggregate classification (germline): Uncertain significance (1 of 4 stars; one submission).

Allele frequency attached by ClinVar (database versions not stated): gnomAD exomes below 0.00001 and 0.00001.
gnomAD v4.1: 2 of 1,613,818 alleles (0.00012%); highest among the groups gnomAD compares: African/African-American, 0.0013%; no homozygotes.

Submission:

Labcorp Genetics (formerly Invitae), Labcorp
Classification: Uncertain significance. Last evaluated: 2022-10-13. Review status: criteria provided, single submitter. Criteria: Invitae Variant Classification Sherloc (09022015). Collection method: clinical testing. Allele origin: germline.
Comment: This sequence change replaces tyrosine, which is neutral and polar, with histidine, which is basic and polar, at codon 36 of the EMC1 protein (p.Tyr36His). This variant is present in population databases (no rsID available, gnomAD 0.002%). This variant has not been reported in the literature in individuals affected with EMC1-related conditions. ClinVar contains an entry for this variant (Variation ID: 1491555). Advanced modeling of protein sequence and biophysical properties (such as structural, functional, and spatial information, amino acid conservation, physicochemical variation, residue mobility, and thermodynamic stability) has been performed at Invitae for this missense variant, however the output from this modeling did not meet the statistical confidence thresholds required to predict the impact of this variant on EMC1 protein function. In summary, the available evidence is currently insufficient to determine the role of this variant in disease. Therefore, it has been classified as a Variant of Uncertain Significance.